The following is an entry in ClinVar:

ClinVar aggregate classification (germline): Uncertain significance (1 of 4 stars; one submission).

Submission:

GeneDx
Classification: Uncertain significance. Last evaluated: 2025-05-05. Review status: criteria provided, single submitter. Criteria: GeneDx Variant Classification Process June 2021. Collection method: clinical testing. Allele origin: germline. Affected: yes.
Comment: Not observed at significant frequency in large population cohorts (gnomAD); In silico analysis suggests that this missense variant does not alter protein structure/function; Has not been previously published as pathogenic or benign to our knowledge

NM_003128.3(SPTBN1):c.5451C>G (p.Ile1817Met)

Gene: SPTBN1 (spectrin beta, non-erythrocytic 1; plus strand). Cytogenetic location: 2p16.2.
Variant type: single nucleotide variant.
Coding change: c.5451C>G on transcript NM_003128.3 (MANE Select); coding-DNA position 5451, C replaced by G.
Protein change: p.Ile1817Met; replaces isoleucine 1817 with methionine.
Molecular consequence: missense variant.
Genome position (GRCh38, 1-based): chr2:54,649,863, C>G. VCF-style: chr2-54649863-C-G. GRCh37 (hg19) VCF-style: chr2-54877000-C-G.
Other names: c.5412C>G, p.Ile1804Met (NM_178313.3); short protein forms I1804M, I1817M.
Identifiers: ClinVar variation 4527879 (VCV004527879.1).
Genomic context (GRCh38, chr2:54,649,863, plus strand): 5'-AACACAGATTCTTGCCGCTTCCTATGAACTGCACAAGTTTTACCACGATGCCAAGGAGAT[C>G]TTTGGGCGTATACAGGACAAACACAAGAAACTCCCTGAGGAGCTTGGGAGAGATCAGAAC-3'
Protein context (NP_003119.2, residues 1807-1827): LHKFYHDAKE[Ile1817Met]FGRIQDKHKK